The following is an entry in ClinVar:

ClinVar aggregate classification (germline): Uncertain significance (1 of 4 stars; one submission).

Conditions:
Bardet-Biedl syndrome (BBS). Identifiers: Orphanet 110, MedGen C0752166, MONDO:0015229.

Submission:

Labcorp Genetics (formerly Invitae), Labcorp
Classification: Uncertain significance for Bardet-Biedl syndrome. Last evaluated: 2026-01-26. Review status: criteria provided, single submitter. Criteria: Invitae Variant Classification Sherloc (09022015). Collection method: clinical testing. Allele origin: germline.
Comment: This sequence change replaces alanine, which is neutral and non-polar, with serine, which is neutral and polar, at codon 8 of the BBS10 protein (p.Ala8Ser). This variant is not present in population databases (gnomAD no frequency). This variant has not been reported in the literature in individuals affected with BBS10-related conditions. ClinVar contains an entry for this variant (Variation ID: 1986554). Invitae Evidence Modeling of protein sequence and biophysical properties (such as structural, functional, and spatial information, amino acid conservation, physicochemical variation, residue mobility, and thermodynamic stability) indicates that this missense variant is not expected to disrupt BBS10 protein function with a negative predictive value of 80%. In summary, the available evidence is currently insufficient to determine the role of this variant in disease. Therefore, it has been classified as a Variant of Uncertain Significance.

NM_024685.4(BBS10):c.22G>T (p.Ala8Ser)

Gene: BBS10 (Bardet-Biedl syndrome 10; minus strand). Cytogenetic location: 12q21.2.
Variant type: single nucleotide variant.
Coding change: c.22G>T on transcript NM_024685.4 (MANE Select); coding-DNA position 22, G replaced by T.
Protein change: p.Ala8Ser; replaces alanine 8 with serine.
Molecular consequence: missense variant.
Genome position (GRCh38, 1-based): chr12:76,348,337, C>A on the plus strand (G>T on the coding strand, the complement: BBS10 is on the minus strand). VCF-style: chr12-76348337-C-A. GRCh37 (hg19) VCF-style: chr12-76742117-C-A.
Other names: short protein forms A8S.
Identifiers: ClinVar variation 1986554 (VCV001986554.4), dbSNP rs1236391305, ClinGen allele CA385816453.